The following is an entry in ClinVar:

NM_016359.5(NUSAP1):c.1264C>T (p.Arg422Ter)

Gene: NUSAP1 (nucleolar and spindle associated protein 1; plus strand). Cytogenetic location: 15q15.1.
Variant type: single nucleotide variant.
Coding change: c.1264C>T on transcript NM_016359.5 (MANE Select); coding-DNA position 1264, C replaced by T.
Protein change: p.Arg422Ter; replaces arginine 422 with a stop codon.
Molecular consequence: nonsense.
Genome position (GRCh38, 1-based): chr15:41,380,124, C>T. VCF-style: chr15-41380124-C-T. GRCh37 (hg19) VCF-style: chr15-41672322-C-T.
Other names: c.1258C>T, p.Arg420Ter (NM_001243142.2); c.1219C>T, p.Arg407Ter (NM_001243143.2); c.1075C>T, p.Arg359Ter (NM_001243144.2); c.1261C>T, p.Arg421Ter (NM_001301136.2, NM_018454.8); short protein forms R407*, R422*, R359*, R421*, R420*.
Identifiers: ClinVar variation 3702056 (VCV003702056.6).

ClinVar aggregate classification (germline): Uncertain significance. Review status: criteria provided, multiple submitters, no conflicts (2 of 4 stars). 2 submissions from 2 submitters: Uncertain significance (2). Last evaluated 2026-03-01.

Submissions (2):

CeGaT Center for Human Genetics Tuebingen
Classification: Uncertain significance. Last evaluated: 2026-03-01. Review status: criteria provided, single submitter. Criteria: CeGaT Center For Human Genetics Tuebingen Variant Classification Criteria Version 2. Collection method: clinical testing. Allele origin: germline. Affected: yes. Observed: 1 variant allele.
Comment: NUSAP1: PM2, PS2:Moderate

Labcorp Genetics (formerly Invitae), Labcorp
Classification: Uncertain significance. Last evaluated: 2024-07-01. Review status: criteria provided, single submitter. Criteria: Invitae Variant Classification Sherloc (09022015). Collection method: clinical testing. Allele origin: germline.
Comment: This sequence change creates a premature translational stop signal (p.Arg422*) in the NUSAP1 gene. While this is not anticipated to result in nonsense mediated decay, it is expected to disrupt the last 20 amino acid(s) of the NUSAP1 protein. This variant is not present in population databases (gnomAD no frequency). This variant has not been reported in the literature in individuals affected with NUSAP1-related conditions. Algorithms developed to predict the effect of sequence changes on RNA splicing suggest that this variant may disrupt the consensus splice site. In summary, the available evidence is currently insufficient to determine the role of this variant in disease. Therefore, it has been classified as a Variant of Uncertain Significance.